The following is an entry in ClinVar:

ClinVar aggregate classification (germline): Uncertain significance (1 of 4 stars; one submission).

Conditions:
Neutropenia, severe congenital, 1, autosomal dominant. Identifiers: MedGen C1859966, MONDO:0042490, OMIM 202700.
Cyclical neutropenia. Also called: Cyclic Neutropenia; Cyclic hematopoiesis. Identifiers: Orphanet 2686, MedGen C0221023, MONDO:0008090, OMIM 162800, HP:0040289. Disease mechanism: loss of function.

Submission:

Labcorp Genetics (formerly Invitae), Labcorp
Classification: Uncertain significance for Neutropenia, severe congenital, 1, autosomal dominant; Cyclical neutropenia. Last evaluated: 2019-01-26. Review status: criteria provided, single submitter. Criteria: Invitae Variant Classification Sherloc (09022015). Collection method: clinical testing. Allele origin: germline.
Comment: In summary, the available evidence is currently insufficient to determine the role of this variant in disease. Therefore, it has been classified as a Variant of Uncertain Significance. Algorithms developed to predict the effect of sequence changes on RNA splicing suggest that this variant may create or strengthen a splice site, but this prediction has not been confirmed by published transcriptional studies. Algorithms developed to predict the effect of missense changes on protein structure and function output the following: SIFT: "Tolerated"; PolyPhen-2: "Benign"; Align-GVGD: "Class C0". The valine amino acid residue is found in multiple mammalian species, suggesting that this missense change does not adversely affect protein function. These predictions have not been confirmed by published functional studies and their clinical significance is uncertain. This variant has not been reported in the literature in individuals with ELANE-related conditions. This variant is not present in population databases (ExAC no frequency). This sequence change replaces isoleucine with valine at codon 212 of the ELANE protein (p.Ile212Val). The isoleucine residue is moderately conserved and there is a small physicochemical difference between isoleucine and valine.

NM_001972.4(ELANE):c.634A>G (p.Ile212Val)

Gene: ELANE (elastase, neutrophil expressed; plus strand). Cytogenetic location: 19p13.3.
Variant type: single nucleotide variant.
Coding change: c.634A>G on transcript NM_001972.4 (MANE Select); coding-DNA position 634, A replaced by G.
Protein change: p.Ile212Val; replaces isoleucine 212 with valine.
Molecular consequence: missense variant.
Genome position (GRCh38, 1-based): chr19:855,994, A>G. VCF-style: chr19-855994-A-G. GRCh37 (hg19) VCF-style: chr19-855994-A-G.
Other names: short protein forms I212V.
Identifiers: ClinVar variation 855162 (VCV000855162.12), dbSNP rs2035674370, ClinGen allele CA402918971.